The following is an entry in ClinVar:

ClinVar aggregate classification (germline): Pathogenic (1 of 4 stars; one submission).

Conditions:
Xeroderma pigmentosum, group C (XPC). Also called: XERODERMA PIGMENTOSUM III; XP, GROUP C; Xeroderma pigmentosum, complementation group C; XPC-Related Xeroderma Pigmentosum. Identifiers: Orphanet 910, MedGen C2752147, MONDO:0010211, OMIM 278720.

Submission:

Myriad Genetics, Inc.
Classification: Pathogenic for Xeroderma pigmentosum, group C. Last evaluated: 2026-06-25. Review status: criteria provided, single submitter. Criteria: Myriad Autosomal Dominant, Autosomal Recessive and X-Linked Classification Criteria (2023). Collection method: clinical testing. Allele origin: unknown.
Comment: NM_004628.4(XPC):c.435dupT(D146*) is a nonsense variant classified as pathogenic in the context of xeroderma pigmentosum group C. D146* has not been observed in cases with relevant disease. Relevant functional assessments of this variant are not available in the literature. D146* has not been observed in referenced population frequency databases. In summary, NM_004628.4(XPC):c.435dupT(D146*) is a nonsense variant in a gene where loss of function is a known mechanism of disease and is predicted to disrupt protein function. Please note: this variant was assessed in the context of healthy population screening.

NM_004628.5(XPC):c.435dup (p.Asp146Ter)

Gene: XPC (XPC complex subunit, DNA damage recognition and repair factor; minus strand). Cytogenetic location: 3p25.1.
Variant type: Duplication.
Coding change: c.435dup on transcript NM_004628.5 (MANE Select); coding-DNA position 435, one base duplicated (T; older notation c.435dupT).
Protein change: p.Asp146Ter; replaces aspartic acid 146 with a stop codon.
Molecular consequence: nonsense. On other transcripts: non-coding transcript variant (1), intron variant (1).
Genome position (GRCh38, 1-based): chr3:14,168,358, A duplicated on the plus strand (T on the coding strand, the reverse complement: XPC is on the minus strand). VCF-style (leftmost placement, unchanged base first): chr3-14168357-C-CA. GRCh37 (hg19) VCF-style: chr3-14209857-C-CA.
Other names: c.435dup, p.Asp146Ter (NM_001354727.2, NM_001354730.2); c.417dup, p.Asp140Ter (NM_001354729.2); c.-43-1105dup (NM_001354726.2); short protein forms D146*, D140*.
Identifiers: ClinVar variation 5004741 (VCV005004741.1).